The following is an entry in ClinVar:

NM_006947.4(SRP72):c.881T>G (p.Val294Gly)

Gene: SRP72 (signal recognition particle 72; plus strand). Cytogenetic location: 4q12.
Variant type: single nucleotide variant.
Coding change: c.881T>G on transcript NM_006947.4 (MANE Select); coding-DNA position 881, T replaced by G.
Protein change: p.Val294Gly; replaces valine 294 with glycine.
Molecular consequence: missense variant. On other transcripts: non-coding transcript variant (1).
Genome position (GRCh38, 1-based): chr4:56,483,194, T>G. VCF-style: chr4-56483194-T-G. GRCh37 (hg19) VCF-style: chr4-57349360-T-G.
Other names: c.698T>G, p.Val233Gly (NM_001267722.2); c.881T>G (NM_006947.3); short protein forms V294G, V233G.
Identifiers: ClinVar variation 2714140 (VCV002714140.4), dbSNP rs2545760275, ClinGen allele CA356999314.

ClinVar aggregate classification (germline): Uncertain significance. Review status: criteria provided, multiple submitters, no conflicts (2 of 4 stars). 2 submissions from 2 submitters: Uncertain significance (2). Last evaluated 2025-09-06.

Submissions (2):

Ambry Genetics
Classification: Uncertain significance. Last evaluated: 2025-09-06. Review status: criteria provided, single submitter. Criteria: Ambry Variant Classification Scheme 2023. Collection method: clinical testing. Allele origin: germline.
Comment: The p.V294G variant (also known as c.881T>G), located in coding exon 9 of the SRP72 gene, results from a T to G substitution at nucleotide position 881. The valine at codon 294 is replaced by glycine, an amino acid with dissimilar properties. This amino acid position is conserved. In addition, this alteration is predicted to be deleterious by in silico analysis. Based on the available evidence, the clinical significance of this variant remains unclear.

Labcorp Genetics (formerly Invitae), Labcorp
Classification: Uncertain significance. Last evaluated: 2024-01-29. Review status: criteria provided, single submitter. Criteria: Invitae Variant Classification Sherloc (09022015). Collection method: clinical testing. Allele origin: germline.
Comment: This sequence change replaces valine, which is neutral and non-polar, with glycine, which is neutral and non-polar, at codon 294 of the SRP72 protein (p.Val294Gly). This variant is not present in population databases (gnomAD no frequency). This variant has not been reported in the literature in individuals affected with SRP72-related conditions. Advanced modeling of protein sequence and biophysical properties (such as structural, functional, and spatial information, amino acid conservation, physicochemical variation, residue mobility, and thermodynamic stability) performed at Invitae indicates that this missense variant is not expected to disrupt SRP72 protein function with a negative predictive value of 80%. In summary, the available evidence is currently insufficient to determine the role of this variant in disease. Therefore, it has been classified as a Variant of Uncertain Significance.